The following is an entry in ClinVar:

ClinVar aggregate classification (germline): Likely benign (0 of 4 stars; one submission).

Conditions:
CAPN15-related disorder. Also called: CAPN15-related condition.

Allele frequency attached by ClinVar (database versions not stated): gnomAD 0.00002; gnomAD exomes 0.00003; TOPMed 0.00003; ExAC 0.00015.
gnomAD v4.1: 38 of 1,561,078 alleles (0.0024%); highest among the groups gnomAD compares: Non-Finnish European, 0.0032%; no homozygotes.

Submission:

PreventionGenetics, part of Exact Sciences
Classification: Likely benign for CAPN15-related condition. Last evaluated: 2020-05-15. Review status: no assertion criteria provided. Collection method: clinical testing. Allele origin: germline.
Comment: This variant is classified as likely benign based on ACMG/AMP sequence variant interpretation guidelines (Richards et al. 2015 PMID: 25741868, with internal and published modifications).

NM_005632.3(CAPN15):c.552C>A (p.Val184=)

Gene: CAPN15 (calpain 15; plus strand). Cytogenetic location: 16p13.3.
Variant type: single nucleotide variant.
Coding change: c.552C>A on transcript NM_005632.3 (MANE Select); coding-DNA position 552, C replaced by A.
Protein change: p.Val184=; no amino-acid change (valine 184 retained).
Molecular consequence: synonymous variant.
Genome position (GRCh38, 1-based): chr16:547,390, C>A. VCF-style: chr16-547390-C-A. GRCh37 (hg19) VCF-style: chr16-597390-C-A.
Identifiers: ClinVar variation 3055186 (VCV003055186.2), dbSNP rs747547391, ClinGen allele CA7778097.
Genomic context (GRCh38, chr16:547,390, plus strand): 5'-CGTCTGCGGGGGCCCACGCAGGCTCTCGCTGCCACGGATCCCTCCTGAGGCCCTGGTGGT[C>A]CCGGAAGTGGTGGCCCCGGCCGGCTTCCACGTCGTGCCTGCCGCGCCTCCACCTGGCCTC-3'
Protein context (NP_005623.1, residues 174-194): LPRIPPEALV[Val184=]PEVVAPAGFH